The following is an entry in ClinVar:

ClinVar aggregate classification (germline): Uncertain significance (1 of 4 stars; one submission).

Allele frequency attached by ClinVar (database versions not stated): gnomAD 0.00001; gnomAD exomes 0.00001; TOPMed 0.00002; 1000 Genomes Project 30x 0.00016.
gnomAD v4.1: 9 of 1,478,286 alleles (0.00061%); highest among the groups gnomAD compares: Admixed American, 0.019%; no homozygotes.

Submission:

Labcorp Genetics (formerly Invitae), Labcorp
Classification: Uncertain significance. Last evaluated: 2024-10-28. Review status: criteria provided, single submitter. Criteria: Invitae Variant Classification Sherloc (09022015). Collection method: clinical testing. Allele origin: germline.
Comment: This sequence change falls in intron 19 of the CAMK2B gene. It does not directly change the encoded amino acid sequence of the CAMK2B protein. It affects a nucleotide within the consensus splice site. This variant is present in population databases (no rsID available, gnomAD 0.008%). This variant has not been reported in the literature in individuals affected with CAMK2B-related conditions. ClinVar contains an entry for this variant (Variation ID: 1509654). Variants that disrupt the consensus splice site are a relatively common cause of aberrant splicing (PMID: 17576681, 9536098). Algorithms developed to predict the effect of sequence changes on RNA splicing suggest that this variant is not likely to affect RNA splicing. In summary, the available evidence is currently insufficient to determine the role of this variant in disease. Therefore, it has been classified as a Variant of Uncertain Significance.

Literature cited by the submitters: PubMed 17576681; PubMed 9536098.

NM_001220.5(CAMK2B):c.1468+3A>G

Gene: CAMK2B (calcium/calmodulin dependent protein kinase II beta; minus strand). Cytogenetic location: 7p13.
Variant type: single nucleotide variant.
Coding change: c.1468+3A>G on transcript NM_001220.5 (MANE Select); 3 bases into the intron after coding-DNA position 1468, A replaced by G.
Molecular consequence: intron variant.
Genome position (GRCh38, 1-based): chr7:44,228,793, T>C on the plus strand (A>G on the coding strand, the complement: CAMK2B is on the minus strand). VCF-style: chr7-44228793-T-C. GRCh37 (hg19) VCF-style: chr7-44268392-T-C.
Other names: c.947-7892A>G (NM_172084.3); c.1150+2213A>G (NM_172080.3); c.1036+2213A>G (NM_172083.3); c.1108+2213A>G (NM_172081.3); c.1153+2213A>G (NM_172079.3, NM_172082.3); c.1225+2213A>G (NM_001293170.2, NM_172078.3).
Identifiers: ClinVar variation 1509654 (VCV001509654.6), dbSNP rs986514625, ClinGen allele CA157917610.
Genomic context (GRCh38, chr7:44,228,793, plus strand): 5'-CGCCGGCCATTCGCAGGGAGCTGTCCGGCAGCAGAGGCGGCAGGCCTGGGGGCCACTACT[T>C]ACACGGGGAGGACAGGGGGCCTAGGAGAGCCGGAGACAGGCAGGGCGGGGGCCCCGCTGA-3'